The following is an entry in ClinVar:

ClinVar aggregate classification (germline): Likely benign (0 of 4 stars; one submission).

Conditions:
MYCBP2-related disorder. Also called: MYCBP2-related condition.

Submission:

PreventionGenetics, part of Exact Sciences
Classification: Likely benign for MYCBP2-related condition. Last evaluated: 2020-01-10. Review status: no assertion criteria provided. Collection method: clinical testing. Allele origin: germline.
Comment: This variant is classified as likely benign based on ACMG/AMP sequence variant interpretation guidelines (Richards et al. 2015 PMID: 25741868, with internal and published modifications).

NM_015057.5(MYCBP2):c.1647+8_1647+10del

Gene: MYCBP2 (MYC binding protein 2; minus strand). Cytogenetic location: 13q22.3.
Variant type: Microsatellite.
Coding change: c.1647+8_1647+10del on transcript NM_015057.5 (MANE Select); bases 8 to 10 of the intron after coding-DNA position 1647, 3 bases deleted (ATT; older notation c.1647+8_1647+10delATT).
Molecular consequence: intron variant.
Genome position (GRCh38, 1-based): chr13:77,262,043-77,262,045, AAT deleted on the plus strand (ATT on the coding strand, the reverse complement: MYCBP2 is on the minus strand); deleting any 3 consecutive bases within chr13:77,262,043-77,262,048 gives the same sequence; the c. name uses the placement nearest the transcript's 3' end. VCF-style (leftmost placement, unchanged base first): chr13-77262042-GAAT-G. GRCh37 (hg19) VCF-style: chr13-77836177-GAAT-G.
Identifiers: ClinVar variation 3051679 (VCV003051679.2), dbSNP rs543877711, ClinGen allele CA7010418.